The following is an entry in ClinVar:

NM_152743.4(BRAT1):c.500_501delinsAA (p.Leu167Gln)

Gene: BRAT1 (BRCA1 associated ATM activator 1; minus strand). Cytogenetic location: 7p22.3.
Variant type: Indel.
Coding change: c.500_501delinsAA on transcript NM_152743.4 (MANE Select); coding-DNA positions 500 to 501, TC replaced by AA.
Protein change: p.Leu167Gln; replaces leucine 167 with glutamine.
Molecular consequence: missense variant. On other transcripts: 5 prime UTR variant (1), non-coding transcript variant (1).
Genome position (GRCh38, 1-based): chr7:2,543,892-2,543,893, GA replaced by TT on the plus strand (TC replaced by AA on the coding strand, the reverse complement: BRAT1 is on the minus strand). VCF-style: chr7-2543892-GA-TT. GRCh37 (hg19) VCF-style: chr7-2583526-GA-TT.
Other names: c.500_501delinsAA, p.Leu167Gln (NM_001350626.2); c.-26_-25delinsAA (NM_001350627.2); short protein forms L167Q.
Identifiers: ClinVar variation 4690076 (VCV004690076.1).

ClinVar aggregate classification (germline): Uncertain significance (1 of 4 stars; one submission).

Submission:

GeneDx
Classification: Uncertain significance. Last evaluated: 2025-07-28. Review status: criteria provided, single submitter. Criteria: GeneDx Variant Classification Process June 2021. Collection method: clinical testing. Allele origin: germline. Affected: yes.
Comment: Not observed at significant frequency in large population cohorts (gnomAD); In silico analysis supports a deleterious effect on protein structure/function; Has not been previously published as pathogenic or benign to our knowledge